The following is an entry in ClinVar:

ClinVar aggregate classification (germline): Uncertain significance (1 of 4 stars; one submission).

gnomAD v4.1: 3 of 1,199,915 alleles (0.00025%); highest among the groups gnomAD compares: Non-Finnish European, 0.00034%; no homozygotes.

Submission:

Labcorp Genetics (formerly Invitae), Labcorp
Classification: Uncertain significance. Last evaluated: 2023-04-05. Review status: criteria provided, single submitter. Criteria: Invitae Variant Classification Sherloc (09022015). Collection method: clinical testing. Allele origin: germline.
Comment: This sequence change replaces glycine, which is neutral and non-polar, with arginine, which is basic and polar, at codon 143 of the CFP protein (p.Gly143Arg). This variant is not present in population databases (gnomAD no frequency). This variant has not been reported in the literature in individuals affected with CFP-related conditions. Advanced modeling of protein sequence and biophysical properties (such as structural, functional, and spatial information, amino acid conservation, physicochemical variation, residue mobility, and thermodynamic stability) has been performed at Invitae for this missense variant, however the output from this modeling did not meet the statistical confidence thresholds required to predict the impact of this variant on CFP protein function. In summary, the available evidence is currently insufficient to determine the role of this variant in disease. Therefore, it has been classified as a Variant of Uncertain Significance.

NM_001145252.3(CFP):c.427G>A (p.Gly143Arg)

Gene: CFP (complement factor properdin; minus strand). Cytogenetic location: Xp11.23.
Variant type: single nucleotide variant.
Coding change: c.427G>A on transcript NM_001145252.3 (MANE Select); coding-DNA position 427, G replaced by A.
Protein change: p.Gly143Arg; replaces glycine 143 with arginine.
Molecular consequence: missense variant.
Genome position (GRCh38, 1-based): chrX:47,627,618, C>T on the plus strand (G>A on the coding strand, the complement: CFP is on the minus strand). VCF-style: chrX-47627618-C-T. GRCh37 (hg19) VCF-style: chrX-47487017-C-T.
Other names: c.427G>A, p.Gly143Arg (NM_002621.2); short protein forms G143R.
Identifiers: ClinVar variation 3004148 (VCV003004148.3), dbSNP rs1190480861, ClinGen allele CA412838822.